The following is an entry in ClinVar:

ClinVar aggregate classification (germline): Uncertain significance (1 of 4 stars; one submission).

Conditions:
Inborn genetic diseases. Identifiers: MedGen C0950123, MeSH D030342.

Submission:

Ambry Genetics
Classification: Uncertain significance for Inborn genetic diseases. Last evaluated: 2026-07-09. Review status: criteria provided, single submitter. Criteria: Ambry Variant Classification Scheme 2023. Collection method: clinical testing. Allele origin: germline.
Comment: The p.F158S variant (also known as c.473T>C), located in coding exon 4 of the RUNX1 gene, results from a T to C substitution at nucleotide position 473. The phenylalanine at codon 158 is replaced by serine, an amino acid with highly dissimilar properties. This amino acid position is highly conserved in available vertebrate species. In addition, this alteration is predicted to be deleterious by in silico analysis. Based on the available evidence, the clinical significance of this variant remains unclear.

NM_001754.5(RUNX1):c.473T>C (p.Phe158Ser)

Genes: RUNX1 (RUNX family transcription factor 1; minus strand), RUNX1-AS1 (RUNX1 antisense RNA 1; plus strand). Cytogenetic location: 21q22.12.
Variant type: single nucleotide variant.
Coding change: c.473T>C on transcript NM_001754.5 (MANE Select); coding-DNA position 473, T replaced by C.
Protein change: p.Phe158Ser; replaces phenylalanine 158 with serine.
Molecular consequence: missense variant.
Genome position (GRCh38, 1-based): chr21:34,880,592, A>G on the plus strand (T>C on the coding strand, the complement: RUNX1 is on the minus strand). VCF-style: chr21-34880592-A-G. GRCh37 (hg19) VCF-style: chr21-36252889-A-G.
Other names: c.392T>C, p.Phe131Ser (NM_001001890.3, NM_001122607.2); short protein forms F131S, F158S.
Identifiers: ClinVar variation 5028586 (VCV005028586.1).
Genomic context (GRCh38, chr21:34,880,592, plus strand): 5'-AGCATAGTTTTGACAGATAACGTACCTCTTCCACTTCGACCGACAAACCTGAGGTCATTA[A>G]ATCTTGCAACCTGGTTCTTCATGGCTGCGGTAGCATTTCTCAGCTCAGCCGAGTAGTTTT-3'
Protein context (NP_001745.2, residues 148-168): TAAMKNQVAR[Phe158Ser]NDLRFVGRSG